The following is an entry in ClinVar:

ClinVar aggregate classification (germline): Pathogenic (1 of 4 stars; one submission).

gnomAD v4.1: 2 of 1,614,018 alleles (0.00012%); highest among the groups gnomAD compares: Non-Finnish European, 0.00017%; no homozygotes.

Submission:

Labcorp Genetics (formerly Invitae), Labcorp
Classification: Pathogenic. Last evaluated: 2023-12-05. Review status: criteria provided, single submitter. Criteria: Invitae Variant Classification Sherloc (09022015). Collection method: clinical testing. Allele origin: germline.
Comment: This sequence change creates a premature translational stop signal (p.Glu25*) in the CYP11A1 gene. It is expected to result in an absent or disrupted protein product. Loss-of-function variants in CYP11A1 are known to be pathogenic (PMID: 15507506, 22435390, 27855232, 229968487). This variant is not present in population databases (gnomAD no frequency). This premature translational stop signal has been observed in individual(s) with complete androgen insensitivity syndrome (PMID: 31671693). For these reasons, this variant has been classified as Pathogenic.

Literature cited by the submitters: PubMed 15507506; PubMed 22435390; PubMed 27855232; PubMed 229968487; PubMed 31671693.

NM_000781.3(CYP11A1):c.73G>T (p.Glu25Ter)

Gene: CYP11A1 (cytochrome P450 family 11 subfamily A member 1; minus strand). Cytogenetic location: 15q24.1.
Variant type: single nucleotide variant.
Coding change: c.73G>T on transcript NM_000781.3 (MANE Select); coding-DNA position 73, G replaced by T.
Protein change: p.Glu25Ter; replaces glutamic acid 25 with a stop codon.
Molecular consequence: nonsense.
Genome position (GRCh38, 1-based): chr15:74,367,513, C>A on the plus strand (G>T on the coding strand, the complement: CYP11A1 is on the minus strand). VCF-style: chr15-74367513-C-A. GRCh37 (hg19) VCF-style: chr15-74659854-C-A.
Other names: short protein forms E25*.
Identifiers: ClinVar variation 3609110 (VCV003609110.1).
Genomic context (GRCh38, chr15:74,367,513, plus strand): 5'-GACTGCGGGTGGAGATGCCAGCTCCCTCGCCAGTGGGCACCCTGAGACGCCCCAGCCCCT[C>A]CCTGGGGGCACTCAGAAAGGTCTGGCAGCCTTTGACCAGGACTGAGCGTGGGGGAAGACC-3'